The following is an entry in ClinVar:

NM_006265.3(RAD21):c.688G>C (p.Asp230His)

Gene: RAD21 (RAD21 cohesin complex component; minus strand). Cytogenetic location: 8q24.11.
Variant type: single nucleotide variant.
Coding change: c.688G>C on transcript NM_006265.3 (MANE Select); coding-DNA position 688, G replaced by C.
Protein change: p.Asp230His; replaces aspartic acid 230 with histidine.
Molecular consequence: missense variant.
Genome position (GRCh38, 1-based): chr8:116,857,267, C>G on the plus strand (G>C on the coding strand, the complement: RAD21 is on the minus strand). VCF-style: chr8-116857267-C-G. GRCh37 (hg19) VCF-style: chr8-117869506-C-G.
Other names: short protein forms D230H.
Identifiers: ClinVar variation 2444617 (VCV002444617.1), dbSNP rs1812489768, ClinGen allele CA372005805.

ClinVar aggregate classification (germline): Pathogenic (1 of 4 stars; one submission).

Submission:

GeneDx
Classification: Pathogenic. Last evaluated: 2023-03-19. Review status: criteria provided, single submitter. Criteria: GeneDx Variant Classification Process June 2021. Collection method: clinical testing. Allele origin: germline. Affected: yes.
Comment: Not observed at significant frequency in large population cohorts (gnomAD); In silico analysis supports that this missense variant does not alter protein structure/function; Has not been previously published as pathogenic or benign to our knowledge